The following is an entry in ClinVar:

ClinVar aggregate classification (germline): Conflicting classifications of pathogenicity. Review status: criteria provided, conflicting classifications (1 of 4 stars). 5 submissions from 5 submitters: Uncertain significance (1); Benign (1); Likely benign (2). 1 of the submissions does not count toward it. Last evaluated 2026-01-16.

Conditions:
PDHX-related disorder. Also called: PDHX-related condition.
Pyruvate dehydrogenase E3-binding protein deficiency (PDHXD). Also called: E3-Binding Protein (Component X) Deficiency; LACTIC ACIDEMIA DUE TO DEFECT IN LIPOYL-CONTAINING COMPONENT X OF THE PYRUVATE DEHYDROGENASE COMPLEX; Lacticacidemia due to PDX1 deficiency; PYRUVATE HYDROGENASE E3-BINDING PROTEIN DEFICIENCY. Identifiers: Orphanet 255182, MedGen C1855553, MONDO:0009503, OMIM 245349.

Allele frequency attached by ClinVar (database versions not stated): TOPMed 0.00051; gnomAD 0.00054 and 0.00056; gnomAD exomes 0.00056 and 0.00064; ExAC 0.00070; ESP Exome Variant Server 0.00077.
gnomAD v4.1: 879 of 1,553,110 alleles (0.057%); highest among the groups gnomAD compares: Non-Finnish European, 0.056%; 1 homozygote.

Submissions (5):

Labcorp Genetics (formerly Invitae), Labcorp
Classification: Benign. Last evaluated: 2026-01-16. Review status: criteria provided, single submitter. Criteria: Invitae Variant Classification Sherloc (09022015). Collection method: clinical testing. Allele origin: germline.

Mayo Clinic Laboratories, Mayo Clinic
Classification: Likely benign. Last evaluated: 2025-06-09. Review status: criteria provided, single submitter. Criteria: ACMG Guidelines, 2015. Collection method: clinical testing. Allele origin: germline. Observed: 3 variant alleles.
Comment: BS1, BP4, BP7

GeneDx
Classification: Likely benign. Last evaluated: 2020-12-22. Review status: criteria provided, single submitter. Criteria: GeneDx Variant Classification Process June 2021. Collection method: clinical testing. Allele origin: germline. Affected: yes.

Illumina Laboratory Services, Illumina
Classification: Uncertain significance for Pyruvate dehydrogenase E3-binding protein deficiency. Last evaluated: 2018-01-12. Review status: criteria provided, single submitter. Criteria: ICSL Variant Classification Criteria 13 December 2019. Collection method: clinical testing. Allele origin: germline.

PreventionGenetics, part of Exact Sciences
Classification: Likely benign for PDHX-related condition. Last evaluated: 2020-01-20. Review status: no assertion criteria provided. Collection method: clinical testing. Allele origin: germline. Not counted in ClinVar's aggregate classification.
Comment: This variant is classified as likely benign based on ACMG/AMP sequence variant interpretation guidelines (Richards et al. 2015 PMID: 25741868, with internal and published modifications).

NM_003477.3(PDHX):c.161-6T>C

Gene: PDHX (pyruvate dehydrogenase complex component X; plus strand). Cytogenetic location: 11p13.
Variant type: single nucleotide variant.
Coding change: c.161-6T>C on transcript NM_003477.3 (MANE Select); 6 bases into the intron before coding-DNA position 161, T replaced by C.
Molecular consequence: intron variant.
Genome position (GRCh38, 1-based): chr11:34,931,398, T>C. VCF-style: chr11-34931398-T-C. GRCh37 (hg19) VCF-style: chr11-34952945-T-C.
Other names: p.?; c.-20-6T>C (NM_001135024.2); c.161-6T>C (NM_001166158.2).
Identifiers: ClinVar variation 304462 (VCV000304462.21), dbSNP rs200438675, ClinGen allele CA5945758.